The following is an entry in ClinVar:

ClinVar aggregate classification (germline): Uncertain significance (1 of 4 stars; one submission).

Conditions:
Hereditary sensory and autonomic neuropathy type 7. Also called: HSAN VII; Neuropathy, hereditary sensory and autonomic, type VII. Identifiers: Orphanet 391397, MedGen C3809882, MONDO:0014244, OMIM 615548.
Familial episodic pain syndrome with predominantly lower limb involvement. Also called: Episodic pain syndrome, familial, 3. Identifiers: Orphanet 391384, Orphanet 391392, MedGen C3809899, MONDO:0014247, OMIM 615552.

Allele frequency attached by ClinVar (database versions not stated): TOPMed below 0.00001; gnomAD exomes below 0.00001.
gnomAD v4.1: 2 of 1,578,724 alleles (0.00013%); highest among the groups gnomAD compares: Non-Finnish European, 0.00017%; no homozygotes.

Submission:

Labcorp Genetics (formerly Invitae), Labcorp
Classification: Uncertain significance for Familial episodic pain syndrome with predominantly lower limb involvement; Hereditary sensory and autonomic neuropathy type 7. Last evaluated: 2025-05-20. Review status: criteria provided, single submitter. Criteria: Invitae Variant Classification Sherloc (09022015). Collection method: clinical testing. Allele origin: germline.
Comment: This sequence change replaces glycine, which is neutral and non-polar, with glutamic acid, which is acidic and polar, at codon 1163 of the SCN11A protein (p.Gly1163Glu). This variant is not present in population databases (gnomAD no frequency). This variant has not been reported in the literature in individuals affected with SCN11A-related conditions. ClinVar contains an entry for this variant (Variation ID: 2936430). Invitae Evidence Modeling of protein sequence and biophysical properties (such as structural, functional, and spatial information, amino acid conservation, physicochemical variation, residue mobility, and thermodynamic stability) has been performed for this missense variant. However, the output from this modeling did not meet the statistical confidence thresholds required to predict the impact of this variant on SCN11A protein function. In summary, the available evidence is currently insufficient to determine the role of this variant in disease. Therefore, it has been classified as a Variant of Uncertain Significance.

NM_001349253.2(SCN11A):c.3488G>A (p.Gly1163Glu)

Gene: SCN11A (sodium voltage-gated channel alpha subunit 11; minus strand). Cytogenetic location: 3p22.2.
Variant type: single nucleotide variant.
Coding change: c.3488G>A on transcript NM_001349253.2 (MANE Select); coding-DNA position 3488, G replaced by A.
Protein change: p.Gly1163Glu; replaces glycine 1163 with glutamic acid.
Molecular consequence: missense variant.
Genome position (GRCh38, 1-based): chr3:38,872,200, C>T on the plus strand (G>A on the coding strand, the complement: SCN11A is on the minus strand). VCF-style: chr3-38872200-C-T. GRCh37 (hg19) VCF-style: chr3-38913691-C-T.
Other names: c.3488G>A, p.Gly1163Glu (NM_014139.3); short protein forms G1163E.
Identifiers: ClinVar variation 2936430 (VCV002936430.3), dbSNP rs1246242222, ClinGen allele CA352171264.